The following is an entry in ClinVar:

ClinVar aggregate classification (germline): Conflicting classifications of pathogenicity. Review status: criteria provided, conflicting classifications (1 of 4 stars). 10 submissions from 9 submitters: Uncertain significance (2); Benign (2); Likely benign (2). 4 of the submissions do not count toward it. Last evaluated 2026-02-01.

Conditions:
Retinitis pigmentosa (RP). Identifiers: Orphanet 791, MedGen C0035334, MeSH D012174, MONDO:0019200, OMIM 268000. Inheritance: Autosomal dominant, autosomal recessive and X linked inheritance.
Congenital stationary night blindness autosomal dominant 2. Also called: NIGHT BLINDNESS, CONGENITAL STATIONARY, RAMBUSCH TYPE. Identifiers: Orphanet 215, MedGen C1876182, MONDO:0008099, OMIM 163500.

Allele frequency attached by ClinVar (database versions not stated): 1000 Genomes Project 30x 0.00047; 1000 Genomes Project 0.00060; gnomAD 0.00079 and 0.00084; TOPMed 0.00083; ESP Exome Variant Server 0.00092; gnomAD exomes 0.00111; ExAC 0.00117.
gnomAD v4.1: 1,706 of 1,613,782 alleles (0.11%); highest among the groups gnomAD compares: Middle Eastern, 0.3%; 5 homozygotes.

Submissions (10):

Labcorp Genetics (formerly Invitae), Labcorp
Classification: Likely benign. Last evaluated: 2026-02-01. Review status: criteria provided, single submitter. Criteria: Invitae Variant Classification Sherloc (09022015). Collection method: clinical testing. Allele origin: germline.

CeGaT Center for Human Genetics Tuebingen
Classification: Benign. Last evaluated: 2025-06-01. Review status: criteria provided, single submitter. Criteria: CeGaT Center For Human Genetics Tuebingen Variant Classification Criteria Version 2. Collection method: clinical testing. Allele origin: germline. Affected: yes. Observed: 1 variant allele.
Comment: PDE6B: BS1, BS2

Blueprint Genetics
Classification: Likely benign. Last evaluated: 2024-11-19. Review status: criteria provided, single submitter. Criteria: ACMG Guidelines, 2015. Collection method: clinical testing. Allele origin: germline.

Illumina Laboratory Services, Illumina
Classification: Benign for Congenital stationary night blindness autosomal dominant 2. Last evaluated: 2018-01-12. Review status: criteria provided, single submitter. Criteria: ICSL Variant Classification Criteria 13 December 2019. Collection method: clinical testing. Allele origin: germline.
Comment: This variant was observed in the ICSL laboratory as part of a predisposition screen in an ostensibly healthy population. It had not been previously curated by ICSL or reported in the Human Gene Mutation Database (HGMD: prior to June 1st, 2018), and was therefore a candidate for classification through an automated scoring system. Utilizing variant allele frequency, disease prevalence and penetrance estimates, and inheritance mode, an automated score was calculated to assess if this variant is too frequent to cause the disease. Based on the score and internal cut-off values, a variant classified as benign is not then subjected to further curation. The score for this variant resulted in a classification of benign for this disease.

Illumina Laboratory Services, Illumina
Classification: Uncertain significance for Retinitis pigmentosa. Last evaluated: 2018-01-12. Review status: criteria provided, single submitter. Criteria: ICSL Variant Classification Criteria 13 December 2019. Collection method: clinical testing. Allele origin: germline.

Eurofins Ntd Llc (ga)
Classification: Uncertain significance. Last evaluated: 2015-04-28. Review status: criteria provided, single submitter. Criteria: EGL Classification Definitions 2015. Collection method: clinical testing. Allele origin: germline. Observed: 1 variant allele, 1 heterozygote.

Clinical Genetics DNA and cytogenetics Diagnostics Lab, Erasmus MC, Erasmus Medical Center
Classification: Uncertain significance. Review status: no assertion criteria provided. Collection method: clinical testing. Allele origin: germline. Affected: yes. Study: VKGL Data-share Consensus. Not counted in ClinVar's aggregate classification.

Clinical Genetics, Academic Medical Center
Classification: Uncertain significance. Review status: no assertion criteria provided. Collection method: clinical testing. Allele origin: germline. Affected: yes. Study: VKGL Data-share Consensus. Not counted in ClinVar's aggregate classification.

Department of Pathology and Laboratory Medicine, Sinai Health System
Classification: Uncertain significance. Review status: no assertion criteria provided. Collection method: clinical testing. Allele origin: unknown. Affected: yes. Study: The Canadian Open Genetics Repository (COGR). Not counted in ClinVar's aggregate classification.
Comment: The PDE6B p.Arg265Gln variant was identified in a compound heterozygous patient with retinitis pigmentosa from a cohort of 99 patients with inherited retinal dystrophies and 21 healthy relatives (Bernardis_2016_PMID:28127548). The variant was identified in dbSNP (ID: rs144562730) and ClinVar (classified as likely benign by Illumina and uncertain significance by EGL Genetics). The variant was identified in control databases in 302 of 282448 chromosomes (2 homozygous) at a frequency of 0.001069 increasing the likelihood this could be a low frequency benign variant (Genome Aggregation Database March 6, 2019, v2.1.1). The variant was observed in the following populations: South Asian in 70 of 30614 chromosomes (freq: 0.002287), European (non-Finnish) in 193 of 128836 chromosomes (freq: 0.001498), Other in 7 of 7214 chromosomes (freq: 0.00097), Latino in 22 of 35436 chromosomes (freq: 0.000621), Ashkenazi Jewish in 4 of 10352 chromosomes (freq: 0.000386), African in 5 of 24930 chromosomes (freq: 0.000201) and European (Finnish) in 1 of 25118 chromosomes (freq: 0.00004), but was not observed in the East Asian population. The p.Arg265 residue is conserved in mammals and computational analyses (PolyPhen-2, SIFT, AlignGVGD, BLOSUM, MutationTaster) provide inconsistent predictions regarding the impact to the protein; this information is not very predictive of pathogenicity. The variant occurs outside of the splicing consensus sequence however three of four in silico or computational prediction software programs (SpliceSiteFinder, MaxEntScan, NNSPLICE, GeneSplicer) predict a greater than 10% difference in splicing. However, this has not been confirmed by RNA analysis and is not predictive enough to assume pathogenicity. In summary, based on the above information the clinical significance of this variant cannot be determined with certainty at this time. This variant is classified as a variant of uncertain significance.

Joint Genome Diagnostic Labs from Nijmegen and Maastricht, Radboudumc and MUMC+
Classification: Uncertain significance. Review status: no assertion criteria provided. Collection method: clinical testing. Allele origin: germline. Affected: yes. Study: VKGL Data-share Consensus. Not counted in ClinVar's aggregate classification.

NM_000283.4(PDE6B):c.794G>A (p.Arg265Gln)

Genes: PDE6B (phosphodiesterase 6B; plus strand), PDE6B-AS1 (PDE6B antisense RNA 1; minus strand). Cytogenetic location: 4p16.3.
Variant type: single nucleotide variant.
Coding change: c.794G>A on transcript NM_000283.4 (MANE Select); coding-DNA position 794, G replaced by A.
Protein change: p.Arg265Gln; replaces arginine 265 with glutamine.
Molecular consequence: missense variant. On other transcripts: 5 prime UTR variant (5).
Genome position (GRCh38, 1-based): chr4:653,934, G>A. VCF-style: chr4-653934-G-A. GRCh37 (hg19) VCF-style: chr4-647723-G-A.
Other names: c.794G>A, p.Arg265Gln (NM_001145291.2); c.-44G>A (NM_001145292.2, NM_001350154.3, NM_001379246.1 and 1 more transcripts); c.-247G>A (NM_001350155.3); short protein forms R265Q.
Identifiers: ClinVar variation 197127 (VCV000197127.37), dbSNP rs144562730, ClinGen allele CA245084.